The following is an entry in ClinVar:

NM_000455.5(STK11):c.180C>G (p.Tyr60Ter)

Gene: STK11 (serine/threonine kinase 11; plus strand). Cytogenetic location: 19p13.3.
Variant type: single nucleotide variant.
Coding change: c.180C>G on transcript NM_000455.5 (MANE Select); coding-DNA position 180, C replaced by G.
Protein change: p.Tyr60Ter; replaces tyrosine 60 with a stop codon.
Molecular consequence: nonsense.
Genome position (GRCh38, 1-based): chr19:1,207,093, C>G. VCF-style: chr19-1207093-C-G. GRCh37 (hg19) VCF-style: chr19-1207092-C-G.
Other names: short protein forms Y60*.
Identifiers: ClinVar variation 428749 (VCV000428749.18), dbSNP rs778376925, ClinGen allele CA402944201.

ClinVar aggregate classification (germline): Pathogenic. Review status: criteria provided, multiple submitters, no conflicts (2 of 4 stars). 5 submissions from 5 submitters: Pathogenic (5). Last evaluated 2025-08-21.

Conditions:
Peutz-Jeghers syndrome (PJS). Also called: Peutz-Jeghers polyposis; Periorificial lentiginosis syndrome; POLYPOSIS, HAMARTOMATOUS INTESTINAL; POLYPS-AND-SPOTS SYNDROME. Identifiers: Orphanet 2869, MedGen C0031269, MeSH D010580, MONDO:0008280, OMIM 175200.
Hereditary cancer-predisposing syndrome. Also called: Hereditary neoplastic syndrome; Tumor predisposition; Neoplastic Syndromes, Hereditary; Hereditary Cancer Syndrome. Identifiers: Orphanet 140162, MedGen C0027672, MeSH D009386, MONDO:0015356.

Submissions (5):

Ambry Genetics
Classification: Pathogenic for Hereditary cancer-predisposing syndrome. Last evaluated: 2025-08-21. Review status: criteria provided, single submitter. Criteria: Ambry Variant Classification Scheme 2023. Collection method: clinical testing. Allele origin: germline.
Comment: The p.Y60* pathogenic mutation (also known as c.180C>G) located in coding exon 1 of the STK11 gene, results from a C to G substitution at nucleotide position 180. This changes the amino acid from a tyrosine to a stop codon within coding exon 1. This mutation has been reported in numerous individuals/families with a clinical diagnosis of Peutz-Jeghers syndrome (Hemminki A et al. Nature.1998 Jan 8;391(6663):184-7; Olschwang S et al. J Med Genet. 2001 Jun;38(6):356-60; Lim W et al. Gastroenterology. 2004 Jun;126(7):1788-94; Dai L et al. Dig Dis Sci. 2014 Mar 7). This variant is considered to be rare based on population cohorts in the Genome Aggregation Database (gnomAD). In addition to the clinical data presented in the literature, this alteration is expected to result in loss of function by premature protein truncation or nonsense-mediated mRNA decay. As such, this alteration is interpreted as a disease-causing mutation.

Labcorp Genetics (formerly Invitae), Labcorp
Classification: Pathogenic for Peutz-Jeghers syndrome. Last evaluated: 2024-06-21. Review status: criteria provided, single submitter. Criteria: Invitae Variant Classification Sherloc (09022015). Collection method: clinical testing. Allele origin: germline.
Comment: This sequence change creates a premature translational stop signal (p.Tyr60*) in the STK11 gene. It is expected to result in an absent or disrupted protein product. Loss-of-function variants in STK11 are known to be pathogenic (PMID: 15188174, 16287113). This variant is not present in population databases (gnomAD no frequency). This premature translational stop signal has been observed in individual(s) with Peutz-Jeghers syndrome (PJS) (PMID: 9428765, 11389158, 17637250, 24604241). It has also been observed to segregate with disease in related individuals. ClinVar contains an entry for this variant (Variation ID: 428749). For these reasons, this variant has been classified as Pathogenic.

Myriad Genetics, Inc.
Classification: Pathogenic for Peutz-Jeghers syndrome. Last evaluated: 2024-02-09. Review status: criteria provided, single submitter. Criteria: Myriad Autosomal Dominant, Autosomal Recessive and X-Linked Classification Criteria (2023). Collection method: clinical testing. Allele origin: unknown.
Comment: This variant is considered pathogenic. This variant creates a termination codon and is predicted to result in premature protein truncation.

Laboratorio de Genetica e Diagnostico Molecular, Hospital Israelita Albert Einstein
Classification: Pathogenic for Peutz-Jeghers syndrome. Last evaluated: 2022-07-05. Review status: criteria provided, single submitter. Criteria: ACMG Guidelines, 2015. Collection method: clinical testing. Allele origin: germline. Affected: yes. Observed: 1 variant allele.
Comment: ACMG classification criteria: PVS1 very strong, PS4 strong, PM2 moderated, PP1 supporting

Genome-Nilou Lab
Classification: Pathogenic for Peutz-Jeghers syndrome. Last evaluated: 2021-07-15. Review status: criteria provided, single submitter. Criteria: ACMG Guidelines, 2015. Collection method: clinical testing. Allele origin: germline. Affected: no.

Literature cited by the submitters: PubMed 15188174 (cited by Labcorp Genetics (formerly Invitae), Labcorp); PubMed 16287113 (cited by Labcorp Genetics (formerly Invitae), Labcorp); PubMed 9428765 (cited by Labcorp Genetics (formerly Invitae), Labcorp); PubMed 11389158 (cited by Labcorp Genetics (formerly Invitae), Labcorp); PubMed 17637250 (cited by Labcorp Genetics (formerly Invitae), Labcorp); PubMed 24604241 (cited by Labcorp Genetics (formerly Invitae), Labcorp).